The following is an entry in ClinVar:

NM_000552.5(VWF):c.3863T>C (p.Leu1288Pro)

Gene: VWF (von Willebrand factor; minus strand). Cytogenetic location: 12p13.31.
Variant type: single nucleotide variant.
Coding change: c.3863T>C on transcript NM_000552.5 (MANE Select); coding-DNA position 3863, T replaced by C.
Protein change: p.Leu1288Pro; replaces leucine 1288 with proline.
Molecular consequence: missense variant.
Genome position (GRCh38, 1-based): chr12:6,019,555, A>G on the plus strand (T>C on the coding strand, the complement: VWF is on the minus strand). VCF-style: chr12-6019555-A-G. GRCh37 (hg19) VCF-style: chr12-6128721-A-G.
Other names: short protein forms L1288P.
Identifiers: ClinVar variation 4857323 (VCV004857323.1).

ClinVar aggregate classification (germline): Likely pathogenic (1 of 4 stars; one submission).

Conditions:
Hereditary von Willebrand disease. Identifiers: Orphanet 903, MedGen C5703318, MONDO:0019565. Inheritance: Autosomal recessive or Autosomal dominant.

Submission:

North West Genomic Laboratory Hub, Manchester University NHS Foundation Trust
Classification: Likely pathogenic for von Willebrand disease. Last evaluated: 2025-05-09. Review status: criteria provided, single submitter. Criteria: ACGS Best Practice Guidelines for Variant Classification in Rare Disease 2024. Collection method: clinical testing. Allele origin: germline. Affected: yes.
Comment: PP3_Supp PM5_Mod PM2_Mod PP4_Mod